The following is an entry in ClinVar:

NM_181507.2(HPS5):c.3043A>G (p.Met1015Val)

Gene: HPS5 (HPS5 biogenesis of lysosomal organelles complex 2 subunit 2; minus strand). Cytogenetic location: 11p15.1.
Variant type: single nucleotide variant.
Coding change: c.3043A>G on transcript NM_181507.2 (MANE Select); coding-DNA position 3043, A replaced by G.
Protein change: p.Met1015Val; replaces methionine 1015 with valine.
Molecular consequence: missense variant.
Genome position (GRCh38, 1-based): chr11:18,283,810, T>C on the plus strand (A>G on the coding strand, the complement: HPS5 is on the minus strand). VCF-style: chr11-18283810-T-C. GRCh37 (hg19) VCF-style: chr11-18305357-T-C.
Other names: c.2701A>G, p.Met901Val (NM_007216.4, NM_181508.2); short protein forms M1015V, M901V.
Identifiers: ClinVar variation 1384233 (VCV001384233.8), dbSNP rs2134218516, ClinGen allele CA379513348.

ClinVar aggregate classification (germline): Uncertain significance (1 of 4 stars; one submission).

Submission:

Labcorp Genetics (formerly Invitae), Labcorp
Classification: Uncertain significance. Last evaluated: 2021-04-02. Review status: criteria provided, single submitter. Criteria: Invitae Variant Classification Sherloc (09022015). Collection method: clinical testing. Allele origin: germline.
Comment: This variant has not been reported in the literature in individuals with HPS5-related conditions. In summary, the available evidence is currently insufficient to determine the role of this variant in disease. Therefore, it has been classified as a Variant of Uncertain Significance. Algorithms developed to predict the effect of missense changes on protein structure and function output the following: SIFT: "Tolerated"; PolyPhen-2: "Benign"; Align-GVGD: "Class C0". The valine amino acid residue is found in multiple mammalian species, suggesting that this missense change does not adversely affect protein function. These predictions have not been confirmed by published functional studies and their clinical significance is uncertain. This variant is not present in population databases (ExAC no frequency). This sequence change replaces methionine with valine at codon 1015 of the HPS5 protein (p.Met1015Val). The methionine residue is weakly conserved and there is a small physicochemical difference between methionine and valine.